The following is an entry in ClinVar:

NM_006206.6(PDGFRA):c.2889A>C (p.Glu963Asp)

Gene: PDGFRA (platelet derived growth factor receptor alpha; plus strand). Cytogenetic location: 4q12.
Variant type: single nucleotide variant.
Coding change: c.2889A>C on transcript NM_006206.6 (MANE Select); coding-DNA position 2889, A replaced by C.
Protein change: p.Glu963Asp; replaces glutamic acid 963 with aspartic acid.
Molecular consequence: missense variant.
Genome position (GRCh38, 1-based): chr4:54,290,321, A>C. VCF-style: chr4-54290321-A-C. GRCh37 (hg19) VCF-style: chr4-55156488-A-C.
Other names: c.2964A>C, p.Glu988Asp (NM_001347828.2); c.2889A>C, p.Glu963Asp (NM_001347829.2); c.2928A>C, p.Glu976Asp (NM_001347830.2); short protein forms E963D, E988D, E976D.
Identifiers: ClinVar variation 1797246 (VCV001797246.7), dbSNP rs2475564864, ClinGen allele CA356895924.
Genomic context (GRCh38, chr4:54,290,321, plus strand): 5'-TTGAGGTTTGGTTGTTAACACTTGATTAAATATGTTCAATGAATGTTTATAGAGTTATGA[A>C]AAAATTCACCTGGACTTCCTGAAGAGTGACCATCCTGCTGTGGCACGCATGCGTGTGGAC-3'
Protein context (NP_006197.1, residues 953-973): LLPGQYKKSY[Glu963Asp]KIHLDFLKSD

ClinVar aggregate classification (germline): Uncertain significance. Review status: criteria provided, multiple submitters, no conflicts (2 of 4 stars). 2 submissions from 2 submitters: Uncertain significance (2). Last evaluated 2022-03-24.

Conditions:
Hereditary cancer-predisposing syndrome. Also called: Neoplastic Syndromes, Hereditary; Tumor predisposition; Hereditary Cancer Syndrome; Hereditary neoplastic syndrome. Identifiers: Orphanet 140162, MedGen C0027672, MeSH D009386, MONDO:0015356.
Gastrointestinal stromal tumor. Also called: Gastrointestinal stromal tumor, somatic; Gastrointestinal stroma tumor. Identifiers: Orphanet 44890, MedGen C0238198, MeSH D046152, MONDO:0011719, OMIM 606764, HP:0100723.

Submissions (2):

Ambry Genetics
Classification: Uncertain significance for Hereditary cancer-predisposing syndrome. Last evaluated: 2022-03-24. Review status: criteria provided, single submitter. Criteria: Ambry Variant Classification Scheme 2023. Collection method: clinical testing. Allele origin: germline.
Comment: The p.E963D variant (also known as c.2889A>C), located in coding exon 21 of the PDGFRA gene, results from an A to C substitution at nucleotide position 2889. The glutamic acid at codon 963 is replaced by aspartic acid, an amino acid with highly similar properties. This amino acid position is conserved. In addition, the in silico prediction for this alteration is inconclusive. Since supporting evidence is limited at this time, the clinical significance of this alteration remains unclear.

Labcorp Genetics (formerly Invitae), Labcorp
Classification: Uncertain significance for Gastrointestinal stromal tumor. Last evaluated: 2022-02-27. Review status: criteria provided, single submitter. Criteria: Invitae Variant Classification Sherloc (09022015). Collection method: clinical testing. Allele origin: germline.
Comment: Algorithms developed to predict the effect of missense changes on protein structure and function are either unavailable or do not agree on the potential impact of this missense change (SIFT: "Tolerated"; PolyPhen-2: "Probably Damaging"; Align-GVGD: "Class C0"). In summary, the available evidence is currently insufficient to determine the role of this variant in disease. Therefore, it has been classified as a Variant of Uncertain Significance. This variant has not been reported in the literature in individuals affected with PDGFRA-related conditions. This variant is not present in population databases (gnomAD no frequency). This sequence change replaces glutamic acid, which is acidic and polar, with aspartic acid, which is acidic and polar, at codon 963 of the PDGFRA protein (p.Glu963Asp).